The following is an entry in ClinVar:

ClinVar aggregate classification (germline): Uncertain significance (1 of 4 stars; one submission).

Conditions:
Neuropathy, hereditary sensory and autonomic, type 2A (HSAN2A). Also called: ACROOSTEOLYSIS, GIACCAI TYPE; ACROOSTEOLYSIS, NEUROGENIC; MORVAN DISEASE; NEUROPATHY, CONGENITAL SENSORY; NEUROPATHY, HEREDITARY SENSORY RADICULAR, AUTOSOMAL RECESSIVE; NEUROPATHY, HEREDITARY SENSORY, TYPE IIA. Identifiers: Orphanet 970, MedGen C2752089, MONDO:0024309, OMIM 201300.
Pseudohypoaldosteronism type 2C (PHA2C). Also called: Pseudohypoaldosteronism Type IIC. Identifiers: Orphanet 757, Orphanet 88940, MedGen C1840391, MONDO:0013778, OMIM 614492.

Allele frequency attached by ClinVar (database versions not stated): gnomAD exomes below 0.00001; gnomAD 0.00001.
gnomAD v4.1: 5 of 1,614,106 alleles (0.00031%); highest among the groups gnomAD compares: Non-Finnish European, 0.00042%; no homozygotes.

Submission:

Labcorp Genetics (formerly Invitae), Labcorp
Classification: Uncertain significance for Neuropathy, hereditary sensory and autonomic, type 2A; Pseudohypoaldosteronism type 2C. Last evaluated: 2023-10-03. Review status: criteria provided, single submitter. Criteria: Invitae Variant Classification Sherloc (09022015). Collection method: clinical testing. Allele origin: germline.
Comment: This sequence change replaces asparagine, which is neutral and polar, with histidine, which is basic and polar, at codon 2395 of the WNK1 protein (p.Asn2395His). This variant is not present in population databases (gnomAD no frequency). This variant has not been reported in the literature in individuals affected with WNK1-related conditions. ClinVar contains an entry for this variant (Variation ID: 2147624). Advanced modeling of protein sequence and biophysical properties (such as structural, functional, and spatial information, amino acid conservation, physicochemical variation, residue mobility, and thermodynamic stability) performed at Invitae indicates that this missense variant is not expected to disrupt WNK1 protein function. In summary, the available evidence is currently insufficient to determine the role of this variant in disease. Therefore, it has been classified as a Variant of Uncertain Significance.

NM_018979.4(WNK1):c.6427A>C (p.Asn2143His)

Gene: WNK1 (WNK lysine deficient protein kinase 1; plus strand). Cytogenetic location: 12p13.33.
Variant type: single nucleotide variant.
Coding change: c.6427A>C on transcript NM_018979.4 (MANE Select); coding-DNA position 6427, A replaced by C.
Protein change: p.Asn2143His; replaces asparagine 2143 with histidine.
Molecular consequence: missense variant.
Genome position (GRCh38, 1-based): chr12:897,660, A>C. VCF-style: chr12-897660-A-C. GRCh37 (hg19) VCF-style: chr12-1006826-A-C.
Other names: c.7207A>C, p.Asn2403His (NM_001184985.2); c.5683A>C, p.Asn1895His (NM_014823.3); c.7183A>C, p.Asn2395His (NM_213655.5); short protein forms N2395H, N2143H, N2403H, N1895H.
Identifiers: ClinVar variation 2147624 (VCV002147624.4), dbSNP rs1954866715, ClinGen allele CA383337396.